The following is an entry in ClinVar:

ClinVar aggregate classification (germline): Uncertain significance (1 of 4 stars; one submission).

Conditions:
CGNL1-related disorder. Also called: CGNL1-related condition.

Allele frequency attached by ClinVar (database versions not stated): gnomAD exomes below 0.00001; ExAC 0.00001; TOPMed 0.00001.
gnomAD v4.1: 6 of 1,614,108 alleles (0.00037%); highest among the groups gnomAD compares: African/African-American, 0.0013%; no homozygotes.

Submission:

PreventionGenetics, part of Exact Sciences
Classification: Uncertain significance for CGNL1-related condition. Last evaluated: 2023-05-13. Review status: criteria provided, single submitter. Criteria: ACMG Guidelines, 2015. Collection method: clinical testing. Allele origin: germline.
Comment: The CGNL1 c.1022C>A variant is predicted to result in the amino acid substitution p.Thr341Asn. To our knowledge, this variant has not been reported in the literature. This variant is reported in 0.0015% of alleles in individuals of European (Non-Finnish) descent in gnomAD. At this time, the clinical significance of this variant is uncertain due to the absence of conclusive functional and genetic evidence.

NM_032866.5(CGNL1):c.1022C>A (p.Thr341Asn)

Gene: CGNL1 (cingulin like 1; plus strand). Cytogenetic location: 15q21.3.
Variant type: single nucleotide variant.
Coding change: c.1022C>A on transcript NM_032866.5 (MANE Select); coding-DNA position 1022, C replaced by A.
Protein change: p.Thr341Asn; replaces threonine 341 with asparagine.
Molecular consequence: missense variant.
Genome position (GRCh38, 1-based): chr15:57,439,021, C>A. VCF-style: chr15-57439021-C-A. GRCh37 (hg19) VCF-style: chr15-57731219-C-A.
Other names: c.1022C>A, p.Thr341Asn (NM_001252335.2); short protein forms T341N.
Identifiers: ClinVar variation 2629191 (VCV002629191.1), dbSNP rs773490526, ClinGen allele CA7581680.